The following is an entry in ClinVar:

NM_005267.5(GJA8):c.490G>C (p.Gly164Arg)

Gene: GJA8 (gap junction protein alpha 8; plus strand). Cytogenetic location: 1q21.2.
Variant type: single nucleotide variant.
Coding change: c.490G>C on transcript NM_005267.5 (MANE Select); coding-DNA position 490, G replaced by C.
Protein change: p.Gly164Arg; replaces glycine 164 with arginine.
Molecular consequence: missense variant.
Genome position (GRCh38, 1-based): chr1:147,908,445, G>C. VCF-style: chr1-147908445-G-C. GRCh37 (hg19) VCF-style: chr1-147380572-G-C.
Other names: short protein forms G164R.
Identifiers: ClinVar variation 4771197 (VCV004771197.1).

ClinVar aggregate classification (germline): Uncertain significance (1 of 4 stars; one submission).

Conditions:
Cataract 1 multiple types. Also called: CATARACT 1, POSTERIOR SUBCAPSULAR, WITH MICROCORNEA; CATARACT, DUFFY-LINKED; CATARACT 1, STELLATE NUCLEAR, WITH MICROCORNEA; CATARACT 1, MULTIPLE TYPES, WITH OR WITHOUT MICROCORNEA; CATARACT 1, NUCLEAR PROGRESSIVE; CATARACT 1 WITH MICROCORNEA. Identifiers: Orphanet 1377, MedGen C1861828, MONDO:0007285, OMIM 116200.

gnomAD v4.1: 1 of 1,614,154 alleles (0.000062%); highest among the groups gnomAD compares: Middle Eastern, 0.016%; no homozygotes.

Submission:

Labcorp Genetics (formerly Invitae), Labcorp
Classification: Uncertain significance for Cataract 1 multiple types. Last evaluated: 2025-05-28. Review status: criteria provided, single submitter. Criteria: Invitae Variant Classification Sherloc (09022015). Collection method: clinical testing. Allele origin: germline.
Comment: This sequence change replaces glycine, which is neutral and non-polar, with arginine, which is basic and polar, at codon 164 of the GJA8 protein (p.Gly164Arg). This variant is not present in population databases (gnomAD no frequency). This variant has not been reported in the literature in individuals affected with GJA8-related conditions. Invitae Evidence Modeling of protein sequence and biophysical properties (such as structural, functional, and spatial information, amino acid conservation, physicochemical variation, residue mobility, and thermodynamic stability) indicates that this missense variant is expected to disrupt GJA8 protein function with a positive predictive value of 95%. In summary, the available evidence is currently insufficient to determine the role of this variant in disease. Therefore, it has been classified as a Variant of Uncertain Significance.